The following is an entry in ClinVar:

NM_001211.6(BUB1B):c.3124A>G (p.Thr1042Ala)

Genes: BUB1B (BUB1 mitotic checkpoint serine/threonine kinase B; plus strand), BUB1B-PAK6 (BUB1B-PAK6 readthrough; plus strand). Cytogenetic location: 15q15.1.
Variant type: single nucleotide variant.
Coding change: c.3124A>G on transcript NM_001211.6 (MANE Select); coding-DNA position 3124, A replaced by G.
Protein change: p.Thr1042Ala; replaces threonine 1042 with alanine.
Molecular consequence: missense variant. On other transcripts: intron variant (2).
Genome position (GRCh38, 1-based): chr15:40,220,730, A>G. VCF-style: chr15-40220730-A-G. GRCh37 (hg19) VCF-style: chr15-40512931-A-G.
Other names: c.-201+3063A>G (NM_001128628.3); c.-118+3063A>G (NM_001128629.3); short protein forms T1042A.
Identifiers: ClinVar variation 657676 (VCV000657676.12), dbSNP rs761776038, ClinGen allele CA7476198.

ClinVar aggregate classification (germline): Uncertain significance. Review status: criteria provided, multiple submitters, no conflicts (2 of 4 stars). 2 submissions from 2 submitters: Uncertain significance (2). Last evaluated 2025-06-17.

Conditions:
Mosaic variegated aneuploidy syndrome 1 (MVA1). Also called: Warburton-Anyane-Yeboa syndrome. Identifiers: Orphanet 1052, MedGen C1850343, MONDO:0009759, OMIM 257300.

Allele frequency attached by ClinVar (database versions not stated): gnomAD exomes below 0.00001; ExAC 0.00001.
gnomAD v4.1: 8 of 1,614,162 alleles (0.0005%); highest among the groups gnomAD compares: Non-Finnish European, 0.00059%; no homozygotes.

Submissions (2):

St. Jude Molecular Pathology, St. Jude Children's Research Hospital
Classification: Uncertain significance for Mosaic variegated aneuploidy syndrome 1. Last evaluated: 2025-06-17. Review status: criteria provided, single submitter. Criteria: St. Jude Assertion Criteria 2020. Collection method: clinical testing. Allele origin: germline.
Comment: The BUB1B c.3124A>G p.(Thr1042Ala) missense change has a maximum subpopulation frequency of 0.0006% in gnomAD v4.1.0. The in silico tool REVEL predicts a benign effect on protein function, but to our knowledge this prediction has not been confirmed by functional studies. To our knowledge, this variant has not been reported in individuals with mosaic variegated aneuploidy syndrome. In summary, the evidence currently available is insufficient to determine the role of this variant in mosaic variegated aneuploidy syndrome. It has therefore been classified as of uncertain significance.

Labcorp Genetics (formerly Invitae), Labcorp
Classification: Uncertain significance for Mosaic variegated aneuploidy syndrome 1. Last evaluated: 2018-07-22. Review status: criteria provided, single submitter. Criteria: Invitae Variant Classification Sherloc (09022015). Collection method: clinical testing. Allele origin: germline.
Comment: Algorithms developed to predict the effect of missense changes on protein structure and function (SIFT, PolyPhen-2, Align-GVGD) all suggest that this variant is likely to be tolerated, but these predictions have not been confirmed by published functional studies and their clinical significance is uncertain. In summary, the available evidence is currently insufficient to determine the role of this variant in disease. Therefore, it has been classified as a Variant of Uncertain Significance. This variant has not been reported in the literature in individuals with BUB1B-related disease. This variant is present in population databases (rs761776038, ExAC 0.001%). This sequence change replaces threonine with alanine at codon 1042 of the BUB1B protein (p.Thr1042Ala). The threonine residue is weakly conserved and there is a small physicochemical difference between threonine and alanine.